The following is an entry in ClinVar:

NM_007294.4(BRCA1):c.562G>A (p.Glu188Lys)

Gene: BRCA1 (BRCA1 DNA repair associated; minus strand). Cytogenetic location: 17q21.31.
Variant type: single nucleotide variant.
Coding change: c.562G>A on transcript NM_007294.4 (MANE Select); coding-DNA position 562, G replaced by A.
Protein change: p.Glu188Lys; replaces glutamic acid 188 with lysine.
Molecular consequence: missense variant. On other transcripts: non-coding transcript variant (1).
Genome position (GRCh38, 1-based): chr17:43,097,275, C>T on the plus strand (G>A on the coding strand, the complement: BRCA1 is on the minus strand). VCF-style: chr17-43097275-C-T. GRCh37 (hg19) VCF-style: chr17-41249292-C-T.
Other names: c.421G>A, p.Glu141Lys (NM_001407695.1, NM_001407696.1, NM_001407697.1 and 43 more transcripts); c.418G>A, p.Glu140Lys (NM_001407740.1, NM_001407741.1, NM_001407742.1 and 26 more transcripts); c.349G>A, p.Glu117Lys (NM_001407853.1, NM_001407894.1, NM_001407895.1 and 12 more transcripts); c.562G>A, p.Glu188Lys (NM_001407854.1, NM_001407858.1, NM_001407859.1 and 59 more transcripts); c.559G>A, p.Glu187Lys (NM_001407860.1, NM_001407861.1, NM_001407972.1 and 41 more transcripts); c.352G>A, p.Glu118Lys (NM_001407879.1, NM_001407881.1, NM_001407882.1 and 27 more transcripts); c.181G>A, p.Glu61Lys (NM_001407959.1, NM_001407960.1, NM_001407963.1 and 1 more transcripts); c.178G>A, p.Glu60Lys (NM_001407962.1); and 4 more; short protein forms E188K, E141K, E118K, E162K, E185K, E187K, E60K, E61K.
Identifiers: ClinVar variation 491178 (VCV000491178.9), dbSNP rs1555594069, ClinGen allele CA10601005.

ClinVar aggregate classification (germline): Uncertain significance. Review status: criteria provided, multiple submitters, no conflicts (2 of 4 stars). 3 submissions from 3 submitters: Uncertain significance (3). Last evaluated 2026-01-26.

Conditions:
Hereditary breast ovarian cancer syndrome. Also called: Breast and ovarian cancer; Hereditary breast and/or ovarian cancer syndrome; Hereditary breast and ovarian cancer; Hereditary breast and ovarian cancer syndrome (HBOC); BRCA1- and BRCA2-Associated Hereditary Breast and Ovarian Cancer; Hereditary breast and ovarian cancer syndrome. Identifiers: Orphanet 145, MedGen C0677776, MeSH D061325, MONDO:0003582. Disease mechanism: loss of function.
Hereditary cancer-predisposing syndrome. Also called: Hereditary Cancer Syndrome; Neoplastic Syndromes, Hereditary; Tumor predisposition; Hereditary neoplastic syndrome. Identifiers: Orphanet 140162, MedGen C0027672, MeSH D009386, MONDO:0015356.

gnomAD v4.1: 2 of 1,613,550 alleles (0.00012%); highest among the groups gnomAD compares: Non-Finnish European, 0.00017%; no homozygotes.

Submissions (3):

Labcorp Genetics (formerly Invitae), Labcorp
Classification: Uncertain significance for Hereditary breast ovarian cancer syndrome. Last evaluated: 2026-01-26. Review status: criteria provided, single submitter. Criteria: Invitae Variant Classification Sherloc (09022015). Collection method: clinical testing. Allele origin: germline.
Comment: This sequence change replaces glutamic acid, which is acidic and polar, with lysine, which is basic and polar, at codon 188 of the BRCA1 protein (p.Glu188Lys). This variant is not present in population databases (gnomAD no frequency). This variant has not been reported in the literature in individuals affected with BRCA1-related conditions. ClinVar contains an entry for this variant (Variation ID: 491178). Invitae Evidence Modeling of protein sequence and biophysical properties (such as structural, functional, and spatial information, amino acid conservation, physicochemical variation, residue mobility, and thermodynamic stability) indicates that this missense variant is expected to disrupt BRCA1 protein function with a positive predictive value of 80%. Algorithms developed to predict the effect of sequence changes on RNA splicing suggest that this variant may disrupt the consensus splice site. In summary, the available evidence is currently insufficient to determine the role of this variant in disease. Therefore, it has been classified as a Variant of Uncertain Significance.

Ambry Genetics
Classification: Uncertain significance for Hereditary cancer-predisposing syndrome. Last evaluated: 2025-06-09. Review status: criteria provided, single submitter. Criteria: Ambry Variant Classification Scheme 2023. Collection method: clinical testing. Allele origin: germline.
Comment: The p.E188K variant (also known as c.562G>A), located in coding exon 7 of the BRCA1 gene, results from a G to A substitution at nucleotide position 562. The glutamic acid at codon 188 is replaced by lysine, an amino acid with similar properties. This amino acid position is highly conserved in available vertebrate species. In addition, this alteration is predicted to be deleterious by in silico analysis. Based on the available evidence, the clinical significance of this variant remains unclear.

Color Diagnostics, LLC DBA Color Health
Classification: Uncertain significance for Hereditary cancer-predisposing syndrome. Last evaluated: 2019-04-08. Review status: criteria provided, single submitter. Criteria: ACMG Guidelines, 2015. Collection method: clinical testing. Allele origin: germline.